The following is an entry in ClinVar:

ClinVar aggregate classification (germline): Benign/Likely benign. Review status: criteria provided, multiple submitters, no conflicts (2 of 4 stars). 3 submissions from 3 submitters: Benign (1); Likely benign (1). 1 of the submissions does not count toward it. Last evaluated 2024-06-09.

Conditions:
CACNA1H-related disorder.
Idiopathic generalized epilepsy. Also called: Generalised epilepsy; EIG. Identifiers: MedGen C0270850, MONDO:0005579, OMIM 600669.
Hyperaldosteronism, familial, type IV (HALD4). Also called: FH IV; ALDOSTERONISM, PRIMARY, AND HYPERTENSION. Identifiers: Orphanet 642671, MedGen C4310756, MONDO:0014875, OMIM 617027.

Allele frequency attached by ClinVar (database versions not stated): gnomAD 0.00019; ExAC 0.00020.
gnomAD v4.1: 129 of 1,603,868 alleles (0.008%); highest among the groups gnomAD compares: East Asian, 0.0023%; no homozygotes.

Submissions (3):

Labcorp Genetics (formerly Invitae), Labcorp
Classification: Benign for Idiopathic generalized epilepsy; Hyperaldosteronism, familial, type IV. Last evaluated: 2024-06-09. Review status: criteria provided, single submitter. Criteria: Invitae Variant Classification Sherloc (09022015). Collection method: clinical testing. Allele origin: germline.

Blueprint Genetics
Classification: Likely benign. Last evaluated: 2024-06-07. Review status: criteria provided, single submitter. Criteria: ACMG Guidelines, 2015. Collection method: clinical testing. Allele origin: germline.

PreventionGenetics, part of Exact Sciences
Classification: Likely benign for CACNA1H-related condition. Last evaluated: 2023-10-11. Review status: no assertion criteria provided. Collection method: clinical testing. Allele origin: germline. Not counted in ClinVar's aggregate classification.
Comment: This variant is classified as likely benign based on ACMG/AMP sequence variant interpretation guidelines (Richards et al. 2015 PMID: 25741868, with internal and published modifications).

NM_021098.3(CACNA1H):c.2289A>C (p.Ala763=)

Gene: CACNA1H (calcium voltage-gated channel subunit alpha1 H; plus strand). Cytogenetic location: 16p13.3.
Variant type: single nucleotide variant.
Coding change: c.2289A>C on transcript NM_021098.3 (MANE Select); coding-DNA position 2289, A replaced by C.
Protein change: p.Ala763=; no amino-acid change (alanine 763 retained).
Molecular consequence: synonymous variant.
Genome position (GRCh38, 1-based): chr16:1,204,296, A>C. VCF-style: chr16-1204296-A-C. GRCh37 (hg19) VCF-style: chr16-1254296-A-C.
Other names: c.2289A>C (NM_021098.2); c.2289A>C, p.Ala763= (NM_001005407.2).
Identifiers: ClinVar variation 2931676 (VCV002931676.6), dbSNP rs756583472, ClinGen allele CA7800192.